The following is an entry in ClinVar:

ClinVar aggregate classification (germline): Likely pathogenic (1 of 4 stars; one submission).

Conditions:
Osteogenesis imperfecta type I (OI1). Also called: Lobstein's Disease; OI, TYPE I; OSTEOGENESIS IMPERFECTA TARDA; OSTEOGENESIS IMPERFECTA WITH BLUE SCLERAE; Osteogenesis imperfecta type 1; Lobstein disease. Identifiers: Orphanet 216796, Orphanet 666, MedGen C0023931, MONDO:0008146, OMIM 166200. Disease mechanism: loss of function.
Ehlers-Danlos syndrome, classic type, 1 (EDSCL1). Also called: Ehlers-Danlos syndrome, type 1; EHLERS-DANLOS SYNDROME, GRAVIS TYPE; EHLERS-DANLOS SYNDROME, SEVERE CLASSIC TYPE; EDS I; Ehlers-Danlos Syndrome, Classic Type, COL5A1-Related. Identifiers: MedGen C0268335, MONDO:0019567, OMIM 130000.

Submission:

Labcorp Genetics (formerly Invitae), Labcorp
Classification: Likely pathogenic for Osteogenesis imperfecta type I; Ehlers-Danlos syndrome, classic type, 1. Last evaluated: 2019-09-11. Review status: criteria provided, single submitter. Criteria: Invitae Variant Classification Sherloc (09022015). Collection method: clinical testing. Allele origin: germline.
Comment: This sequence change replaces glycine with valine at codon 760 of the COL1A2 protein (p.Gly760Val). The glycine residue is highly conserved and there is a moderate physicochemical difference between glycine and valine. In summary, the currently available evidence indicates that the variant is pathogenic, but additional data are needed to prove that conclusively. Therefore, this variant has been classified as Likely Pathogenic. This variant is not present in population databases (ExAC no frequency). This variant has not been reported in the literature in individuals with COL1A2-related conditions. Glycine residues within the Gly-Xaa-Yaa repeats of the triple helix domain are required for the structure and stability of fibrillar collagens (PMID: 7695699, 8218237, 19344236). In COL1A2, variants affecting these glycine residues are significantly enriched in individuals with disease (PMID: 9016532, 17078022) compared to the general population (ExAC).

Literature cited by the submitters: PubMed 7695699; PubMed 8218237; PubMed 19344236; PubMed 9016532; PubMed 17078022.

NM_000089.4(COL1A2):c.2279G>T (p.Gly760Val)

Gene: COL1A2 (collagen type I alpha 2 chain; plus strand). Cytogenetic location: 7q21.3.
Variant type: single nucleotide variant.
Coding change: c.2279G>T on transcript NM_000089.4 (MANE Select); coding-DNA position 2279, G replaced by T.
Protein change: p.Gly760Val; replaces glycine 760 with valine.
Molecular consequence: missense variant.
Genome position (GRCh38, 1-based): chr7:94,420,632, G>T. VCF-style: chr7-94420632-G-T. GRCh37 (hg19) VCF-style: chr7-94049944-G-T.
Other names: short protein forms G760V.
Identifiers: ClinVar variation 958145 (VCV000958145.11), dbSNP rs1792140624, ClinGen allele CA368223616.